The following is an entry in ClinVar:

ClinVar aggregate classification (germline): Benign/Likely benign. Review status: criteria provided, multiple submitters, no conflicts (2 of 4 stars). 5 submissions from 5 submitters: Benign (2); Likely benign (3). Last evaluated 2025-12-21.

Conditions:
Collagen 6-related myopathy. Identifiers: MedGen CN117976, MONDO:0100225.
Bethlem myopathy 1A. Also called: MYOPATHY, BENIGN CONGENITAL, WITH CONTRACTURES; Bethlem myopathy 1; Bethlem Muscular Dystrophy. Identifiers: Orphanet 610, MedGen CN029274, MONDO:0024530, OMIM 158810.

Allele frequency attached by ClinVar (database versions not stated): gnomAD exomes 0.00021; ExAC 0.00027; ESP Exome Variant Server 0.00085; gnomAD 0.00086 and 0.00089; TOPMed 0.00108; 1000 Genomes Project 0.00180; 1000 Genomes Project 30x 0.00187.
gnomAD v4.1: 247 of 1,613,904 alleles (0.015%); highest among the groups gnomAD compares: African/African-American, 0.21%; no homozygotes.

Submissions (5):

Labcorp Genetics (formerly Invitae), Labcorp
Classification: Benign for Bethlem myopathy 1A. Last evaluated: 2025-12-21. Review status: criteria provided, single submitter. Criteria: Invitae Variant Classification Sherloc (09022015). Collection method: clinical testing. Allele origin: germline.

Blueprint Genetics
Classification: Likely benign. Last evaluated: 2024-11-13. Review status: criteria provided, single submitter. Criteria: ACMG Guidelines, 2015. Collection method: clinical testing. Allele origin: germline.

Illumina Laboratory Services, Illumina
Classification: Benign for Collagen VI-related myopathy. Last evaluated: 2018-01-13. Review status: criteria provided, single submitter. Criteria: ICSL Variant Classification Criteria 13 December 2019. Collection method: clinical testing. Allele origin: germline.
Comment: This variant was observed in the ICSL laboratory as part of a predisposition screen in an ostensibly healthy population. It had not been previously curated by ICSL or reported in the Human Gene Mutation Database (HGMD: prior to June 1st, 2018), and was therefore a candidate for classification through an automated scoring system. Utilizing variant allele frequency, disease prevalence and penetrance estimates, and inheritance mode, an automated score was calculated to assess if this variant is too frequent to cause the disease. Based on the score and internal cut-off values, a variant classified as benign is not then subjected to further curation. The score for this variant resulted in a classification of benign for this disease.

GeneDx
Classification: Likely benign. Last evaluated: 2017-07-20. Review status: criteria provided, single submitter. Criteria: GeneDx Variant Classification (06012015). Collection method: clinical testing. Allele origin: germline. Affected: yes.
Comment: This variant is considered likely benign or benign based on one or more of the following criteria: it is a conservative change, it occurs at a poorly conserved position in the protein, it is predicted to be benign by multiple in silico algorithms, and/or has population frequency not consistent with disease.

PreventionGenetics, part of Exact Sciences
Classification: Likely benign. Review status: criteria provided, single submitter. Criteria: ACMG Guidelines, 2015. Collection method: clinical testing. Allele origin: germline.

NM_004369.4(COL6A3):c.91+11G>C

Gene: COL6A3 (collagen type VI alpha 3 chain; minus strand). Cytogenetic location: 2q37.3.
Variant type: single nucleotide variant.
Coding change: c.91+11G>C on transcript NM_004369.4 (MANE Select); 11 bases into the intron after coding-DNA position 91, G replaced by C.
Molecular consequence: intron variant.
Genome position (GRCh38, 1-based): chr2:237,396,716, C>G on the plus strand (G>C on the coding strand, the complement: COL6A3 is on the minus strand). VCF-style: chr2-237396716-C-G. GRCh37 (hg19) VCF-style: chr2-238305359-C-G.
Other names: c.91+11G>C (NM_057166.5, NM_057167.4, NM_057164.5 and 1 more transcripts).
Identifiers: ClinVar variation 259317 (VCV000259317.14), dbSNP rs372744024, ClinGen allele CA2189958.